The following is an entry in ClinVar:

NM_004247.4(EFTUD2):c.1901_1902insAA (p.Leu635fs)

Gene: EFTUD2 (elongation factor Tu GTP binding domain containing 2; minus strand). Cytogenetic location: 17q21.31.
Variant type: Insertion.
Coding change: c.1901_1902insAA on transcript NM_004247.4 (MANE Select); coding-DNA positions 1901 to 1902, AA inserted.
Protein change: p.Leu635fs; shifts the reading frame from leucine 635.
Molecular consequence: frameshift variant.
Genome position: GRCh38 VCF-style: chr17-44859140-C-CTT. GRCh37 (hg19) VCF-style: chr17-42936508-C-CTT.
Other names: c.1796_1797insAA, p.Leu600fs (NM_001142605.2); c.1901_1902insAA, p.Leu635fs (NM_001258353.2); c.1871_1872insAA, p.Leu625fs (NM_001258354.2); short protein forms L600fs, L625fs, L635fs.
Identifiers: ClinVar variation 504058 (VCV000504058.2), dbSNP rs1555565162, ClinGen allele CA658798873.

ClinVar aggregate classification (germline): Pathogenic (1 of 4 stars; one submission).

Submission:

GeneDx
Classification: Pathogenic. Last evaluated: 2018-01-03. Review status: criteria provided, single submitter. Criteria: GeneDx Variant Classification (06012015). Collection method: clinical testing. Allele origin: germline. Affected: yes.
Comment: The c.1901_1902insAA variant in the EFTUD2 gene has not been reported previously as a pathogenic variant nor as a benign variant, to our knowledge. The c.1901_1902insAA variant causes a frameshift starting with codon Leucine 635, changes this amino acid to a Serine residue, and creates a premature Stop codon at position 7 of the new reading frame, denoted p.Leu635SerfsX7. This variant is predicted to cause loss of normal protein function either through protein truncation or nonsense-mediated mRNA decay. The c.1901_1902insAA variant is not observed in large population cohorts (Lek et al., 2016). We interpret c.1901_1902insAA as a pathogenic variant.